The following is an entry in ClinVar:

NM_000551.4(VHL):c.*2975G>C

Genes: VHL (von Hippel-Lindau tumor suppressor; plus strand), LOC107303340 (3p25 von Hippel-Lindau tumor suppressor, E3 ubiquitin protein ligase Alu-mediated recombination region; plus strand). Cytogenetic location: 3p25.3.
Variant type: single nucleotide variant.
Coding change: c.*2975G>C on transcript NM_000551.4 (MANE Select); 2975 bases downstream of the stop codon, G replaced by C.
Molecular consequence: 3 prime UTR variant.
Genome position (GRCh38, 1-based): chr3:10,152,940, G>C. VCF-style: chr3-10152940-G-C. GRCh37 (hg19) VCF-style: chr3-10194624-G-C.
Other names: c.*3171G>C (NM_001354723.2); c.*2975G>C (NM_198156.3).
Identifiers: ClinVar variation 342491 (VCV000342491.5), dbSNP rs801913, ClinGen allele CA10614428.

ClinVar aggregate classification (germline): Benign (1 of 4 stars; one submission).

Conditions:
Von Hippel-Lindau syndrome (VHLS). Also called: Von Hippel-Lindau; von Hippel–Lindau syndrome; VHL syndrome. Identifiers: Orphanet 892, MedGen C0019562, MONDO:0008667, OMIM 193300. Disease mechanism: loss of function.

Allele frequency attached by ClinVar (database versions not stated): 1000 Genomes Project 0.88998; 1000 Genomes Project 30x 0.89022; gnomAD 0.89755 and 0.90200; TOPMed 0.89901.
gnomAD v4.1: 136,300 of 151,916 alleles (90%); highest among the groups gnomAD compares: African/African-American, 96%; 61,337 homozygotes.

Submission:

Illumina Laboratory Services, Illumina
Classification: Benign for Von Hippel-Lindau syndrome. Last evaluated: 2018-01-12. Review status: criteria provided, single submitter. Criteria: ICSL Variant Classification Criteria 13 December 2019. Collection method: clinical testing. Allele origin: germline.
Comment: This variant was observed in the ICSL laboratory as part of a predisposition screen in an ostensibly healthy population. It had not been previously curated by ICSL or reported in the Human Gene Mutation Database (HGMD: prior to June 1st, 2018), and was therefore a candidate for classification through an automated scoring system. Utilizing variant allele frequency, disease prevalence and penetrance estimates, and inheritance mode, an automated score was calculated to assess if this variant is too frequent to cause the disease. Based on the score and internal cut-off values, a variant classified as benign is not then subjected to further curation. The score for this variant resulted in a classification of benign for this disease.